The following is an entry in ClinVar:

ClinVar aggregate classification (germline): Uncertain significance. Review status: criteria provided, multiple submitters, no conflicts (2 of 4 stars). 2 submissions from 2 submitters: Uncertain significance (2). Last evaluated 2024-06-07.

Conditions:
Inborn genetic diseases. Identifiers: MedGen C0950123, MeSH D030342.

gnomAD v4.1: 32 of 1,613,772 alleles (0.002%); highest among the groups gnomAD compares: Admixed American, 0.052%; no homozygotes.

Submissions (2):

Ambry Genetics
Classification: Uncertain significance for Inborn genetic diseases. Last evaluated: 2024-06-07. Review status: criteria provided, single submitter. Criteria: Ambry Variant Classification Scheme 2023. Collection method: clinical testing. Allele origin: germline.

Labcorp Genetics (formerly Invitae), Labcorp
Classification: Uncertain significance. Last evaluated: 2024-05-08. Review status: criteria provided, single submitter. Criteria: Invitae Variant Classification Sherloc (09022015). Collection method: clinical testing. Allele origin: germline.
Comment: This sequence change replaces glutamic acid, which is acidic and polar, with lysine, which is basic and polar, at codon 119 of the ZEB1 protein (p.Glu119Lys). This variant is present in population databases (rs554520869, gnomAD 0.05%), and has an allele count higher than expected for a pathogenic variant. This variant has not been reported in the literature in individuals affected with ZEB1-related conditions. Advanced modeling of protein sequence and biophysical properties (such as structural, functional, and spatial information, amino acid conservation, physicochemical variation, residue mobility, and thermodynamic stability) has been performed at Invitae for this missense variant, however the output from this modeling did not meet the statistical confidence thresholds required to predict the impact of this variant on ZEB1 protein function. In summary, the available evidence is currently insufficient to determine the role of this variant in disease. Therefore, it has been classified as a Variant of Uncertain Significance.

NM_001174096.2(ZEB1):c.358G>A (p.Glu120Lys)

Gene: ZEB1 (zinc finger E-box binding homeobox 1; plus strand). Cytogenetic location: 10p11.22.
Variant type: single nucleotide variant.
Coding change: c.358G>A on transcript NM_001174096.2 (MANE Select); coding-DNA position 358, G replaced by A.
Protein change: p.Glu120Lys; replaces glutamic acid 120 with lysine.
Molecular consequence: missense variant. On other transcripts: 5 prime UTR variant (30), intron variant (3).
Genome position (GRCh38, 1-based): chr10:31,502,383, G>A. VCF-style: chr10-31502383-G-A. GRCh37 (hg19) VCF-style: chr10-31791311-G-A.
Other names: c.-300G>A (NM_001323652.2, NM_001323653.2, NM_001323654.2 and 27 more transcripts); c.316G>A, p.Glu106Lys (NM_001323676.2); c.313G>A, p.Glu105Lys (NM_001323677.2); c.355G>A, p.Glu119Lys (NM_030751.6); c.260-8290G>A (NM_001323674.2); c.209-8290G>A (NM_001323678.2); c.218-8290G>A (NM_001323675.2); c.307G>A, p.Glu103Lys (NM_001128128.3); and 3 more; short protein forms E105K, E106K, E120K, E52K, E99K, E102K, E103K, E119K.
Identifiers: ClinVar variation 3334285 (VCV003334285.3).